The following is an entry in ClinVar:

ClinVar aggregate classification (germline): Uncertain significance (1 of 4 stars; one submission).

Submission:

Quest Diagnostics Nichols Institute San Juan Capistrano
Classification: Uncertain significance. Last evaluated: 2024-10-15. Review status: criteria provided, single submitter. Criteria: Quest Diagnostics criteria. Collection method: clinical testing. Allele origin: unknown.
Comment: The BRCA2 c.6763_6765del (p.Thr2255del) variant has not been reported in individuals with BRCA2-related conditions in the published literature. It also has not been reported in large, multi-ethnic general populations (Genome Aggregation Database). Based on the available information, we are unable to determine the clinical significance of this variant.

NM_000059.4(BRCA2):c.6763_6765del (p.Thr2255del)

Gene: BRCA2 (BRCA2 DNA repair associated; plus strand). Cytogenetic location: 13q13.1.
Variant type: Deletion.
Coding change: c.6763_6765del on transcript NM_000059.4 (MANE Select); coding-DNA positions 6763 to 6765, 3 bases deleted (ACA; older notation c.6763_6765delACA).
Protein change: p.Thr2255del; deletes threonine 2255.
Molecular consequence: inframe indel (on NM_000059.3). On other transcripts: non-coding transcript variant (1), intron variant (2).
Genome position (GRCh38, 1-based): chr13:32,341,118-32,341,120, ACA deleted. VCF-style (leftmost placement, unchanged base first): chr13-32341117-TACA-T. GRCh37 (hg19) VCF-style: chr13-32915254-TACA-T.
Other names: c.6763_6765delACA, p.Thr2255del (NM_000059.3); c.6763_6765del, p.Thr2255del (NM_001406719.1, NM_001406720.1, NM_001432077.1); c.1910-3440_1910-3438del (NM_001406721.1); c.425-3440_425-3438del (NM_001406722.1); short protein forms T2255del.
Identifiers: ClinVar variation 3572361 (VCV003572361.1).
Genomic context (GRCh38, chr13:32,341,117, plus strand): 5'-TATGGAAGATGATGAACTGACAGATTCTAAACTGCCAAGTCATGCCACACATTCTCTTTT[TACA>T]TGTCCCGAAAATGAGGAAATGGTTTTGTCAAATTCAAGAATTGGAAAAAGAAGAGGAGAG-3'